The following is an entry in ClinVar:

ClinVar aggregate classification (germline): Uncertain significance (1 of 4 stars; one submission).

Conditions:
Mitochondrial complex I deficiency, nuclear type 12. Also called: Mitochondrial complex 1 deficiency, nuclear type 12. Identifiers: MedGen C4746984, MONDO:0026720, OMIM 301020.

Submission:

Rady Children's Institute for Genomic Medicine, Rady Children's Hospital San Diego
Classification: Uncertain significance for Mitochondrial complex I deficiency, nuclear type 12. Last evaluated: 2019-08-19. Review status: criteria provided, single submitter. Criteria: ACMG Guidelines, 2015. Collection method: clinical testing. Allele origin: germline. Affected: yes.
Comment: This variant has not been previously reported or functionally characterized in the literature to our knowledge. It is absent from the ExAC and gnomAD population databases and thus is presumed to be rare. This variant affects a highly conserved amino acid and multiple in silico analyses support a deleterious effect of the c.194G>T (p.Gly65Val) variant on protein function. Based on the available evidence, the c.194G>T (p.Gly65Val) variant is classified as a Variant of Uncertain Significance.

NM_004541.4(NDUFA1):c.194G>T (p.Gly65Val)

Gene: NDUFA1 (NADH:ubiquinone oxidoreductase subunit A1; plus strand). Cytogenetic location: Xq24.
Variant type: single nucleotide variant.
Coding change: c.194G>T on transcript NM_004541.4 (MANE Select); coding-DNA position 194, G replaced by T.
Protein change: p.Gly65Val; replaces glycine 65 with valine.
Molecular consequence: missense variant.
Genome position (GRCh38, 1-based): chrX:119,876,515, G>T. VCF-style: chrX-119876515-G-T. GRCh37 (hg19) VCF-style: chrX-119010478-G-T.
Other names: short protein forms G65V.
Identifiers: ClinVar variation 981164 (VCV000981164.1), dbSNP rs2056437698, ClinGen allele CA414190585.